The following is an entry in ClinVar:

ClinVar aggregate classification (germline): Likely benign (1 of 4 stars; one submission).

Allele frequency attached by ClinVar (database versions not stated): gnomAD 0.00001; gnomAD exomes 0.00001; ExAC 0.00001; TOPMed 0.00001 and 0.00002.

Submission:

GeneDx
Classification: Likely benign. Last evaluated: 2017-01-24. Review status: criteria provided, single submitter. Criteria: GeneDx Variant Classification (06012015). Collection method: clinical testing. Allele origin: germline. Affected: yes.
Comment: This variant is considered likely benign or benign based on one or more of the following criteria: it is a conservative change, it occurs at a poorly conserved position in the protein, it is predicted to be benign by multiple in silico algorithms, and/or has population frequency not consistent with disease.

NM_178862.3(STT3B):c.45C>T (p.Leu15=)

Genes: STT3B (STT3 oligosaccharyltransferase complex catalytic subunit B; plus strand), LOC129936407 (ATAC-STARR-seq lymphoblastoid silent region 14161; plus strand). Cytogenetic location: 3p23.
Variant type: single nucleotide variant.
Coding change: c.45C>T on transcript NM_178862.3 (MANE Select); coding-DNA position 45, C replaced by T.
Protein change: p.Leu15=; no amino-acid change (leucine 15 retained).
Molecular consequence: synonymous variant.
Genome position (GRCh38, 1-based): chr3:31,533,043, C>T. VCF-style: chr3-31533043-C-T. GRCh37 (hg19) VCF-style: chr3-31574535-C-T.
Identifiers: ClinVar variation 506931 (VCV000506931.1), dbSNP rs771673958, ClinGen allele CA2294857.